The following is an entry in ClinVar:

NM_001164508.2(NEB):c.22050+20G>A

Genes: NEB (nebulin; minus strand), RIF1 (replication timing regulatory factor 1; plus strand). Cytogenetic location: 2q23.3.
Variant type: single nucleotide variant.
Coding change: c.22050+20G>A on transcript NM_001164508.2 (MANE Select); 20 bases into the intron after coding-DNA position 22050, G replaced by A.
Molecular consequence: intron variant.
Genome position (GRCh38, 1-based): chr2:151,526,138, C>T on the plus strand (G>A on the coding strand, the complement: NEB is on the minus strand). VCF-style: chr2-151526138-C-T. GRCh37 (hg19) VCF-style: chr2-152382652-C-T.
Other names: c.16947+20G>A (NM_004543.5); c.22050+20G>A (NM_001164507.2); c.22155+20G>A (NM_001271208.2).
Identifiers: ClinVar variation 514903 (VCV000514903.4), dbSNP rs758004610, ClinGen allele CA1906797.

ClinVar aggregate classification (germline): Likely benign. Review status: criteria provided, multiple submitters, no conflicts (2 of 4 stars). 2 submissions from 2 submitters: Likely benign (2). Last evaluated 2023-12-20.

Conditions:
Nemaline myopathy 2 (NEM2). Also called: Nemaline myopathy 2, autosomal recessive. Identifiers: MedGen C1850569, MONDO:0009725, OMIM 256030.

Allele frequency attached by ClinVar (database versions not stated): gnomAD exomes below 0.00001; TOPMed below 0.00001; ExAC 0.00001.
gnomAD v4.1: 2 of 1,613,194 alleles (0.00012%); highest among the groups gnomAD compares: Non-Finnish European, 0.00017%; no homozygotes.

Submissions (2):

Labcorp Genetics (formerly Invitae), Labcorp
Classification: Likely benign for Nemaline myopathy 2. Last evaluated: 2023-12-20. Review status: criteria provided, single submitter. Criteria: Invitae Variant Classification Sherloc (09022015). Collection method: clinical testing. Allele origin: germline.

GeneDx
Classification: Likely benign. Last evaluated: 2018-02-08. Review status: criteria provided, single submitter. Criteria: GeneDx Variant Classification (06012015). Collection method: clinical testing. Allele origin: germline. Affected: yes.
Comment: This variant is considered likely benign or benign based on one or more of the following criteria: it is a conservative change, it occurs at a poorly conserved position in the protein, it is predicted to be benign by multiple in silico algorithms, and/or has population frequency not consistent with disease.